The following is an entry in ClinVar:

ClinVar aggregate classification (germline): Uncertain significance (1 of 4 stars; one submission).

Conditions:
Cornelia de Lange syndrome 1 (CDLS1). Also called: TYPUS DEGENERATIVUS AMSTELODAMENSIS; Brachmann de Lange syndrome; NIPBL-Related Cornelia de Lange Syndrome. Identifiers: Orphanet 199, MedGen C4551851, MONDO:0007387, OMIM 122470.

Allele frequency attached by ClinVar (database versions not stated): TOPMed 0.00001; 1000 Genomes Project 30x 0.00016.
gnomAD v4.1: 7 of 1,613,950 alleles (0.00043%); highest among the groups gnomAD compares: Non-Finnish European, 0.00059%; no homozygotes.

Submissions (2):

Labcorp Genetics (formerly Invitae), Labcorp
Classification: Uncertain significance for Cornelia de Lange syndrome 1. Last evaluated: 2025-10-01. Review status: criteria provided, single submitter. Criteria: Invitae Variant Classification Sherloc (09022015). Collection method: clinical testing. Allele origin: germline.
Comment: This sequence change affects codon 154 of the NIPBL mRNA. It is a 'silent' change, meaning that it does not change the encoded amino acid sequence of the NIPBL protein. This variant is present in population databases (rs139514413, gnomAD 0.002%). This variant has not been reported in the literature in individuals affected with NIPBL-related conditions. ClinVar contains an entry for this variant (Variation ID: 2888223). Algorithms developed to predict the effect of sequence changes on RNA splicing suggest that this variant may create or strengthen a splice site. In summary, the available evidence is currently insufficient to determine the role of this variant in disease. Therefore, it has been classified as a Variant of Uncertain Significance.

Dr. Peter K. Rogan Lab, Western University
No classification provided (evidence only). Condition: Papillary renal cell carcinoma type 1. Review status: no classification provided. Collection method: in vitro. Allele origin: not applicable. Functional consequence: retained intron. Not counted in ClinVar's aggregate classification.

NM_133433.4(NIPBL):c.460C>A (p.Arg154=)

Gene: NIPBL (NIPBL cohesin loading factor; plus strand). Cytogenetic location: 5p13.2.
Variant type: single nucleotide variant.
Coding change: c.460C>A on transcript NM_133433.4 (MANE Select); coding-DNA position 460, C replaced by A.
Protein change: p.Arg154=; no amino-acid change (arginine 154 retained).
Molecular consequence: synonymous variant.
Genome position (GRCh38, 1-based): chr5:36,962,124, C>A. VCF-style: chr5-36962124-C-A. GRCh37 (hg19) VCF-style: chr5-36962226-C-A.
Other names: c.460C>A, p.Arg154= (NM_015384.5).
Identifiers: ClinVar variation 2888223 (VCV002888223.4), dbSNP rs139514413, ClinGen allele CA3235851.